The following is an entry in ClinVar:

NM_000051.4(ATM):c.4850T>C (p.Leu1617Pro)

Gene: ATM (ATM serine/threonine kinase; plus strand). Cytogenetic location: 11q22.3.
Variant type: single nucleotide variant.
Coding change: c.4850T>C on transcript NM_000051.4 (MANE Select); coding-DNA position 4850, T replaced by C.
Protein change: p.Leu1617Pro; replaces leucine 1617 with proline.
Molecular consequence: missense variant.
Genome position (GRCh38, 1-based): chr11:108,295,000, T>C. VCF-style: chr11-108295000-T-C. GRCh37 (hg19) VCF-style: chr11-108165727-T-C.
Other names: NM_000051.4(ATM):c.4850T>C; p.Leu1617Pro; c.4850T>C, p.Leu1617Pro (NM_001351834.2); c.4850T>C (NM_000051.3); short protein forms L1617P.
Identifiers: ClinVar variation 1018946 (VCV001018946.10), dbSNP rs2083040595, ClinGen allele CA382536948.
Genomic context (GRCh38, chr11:108,295,000, plus strand): 5'-TTCTCTCAGTAAGTGTTTATGATGCACTTCCATTGACAAGACTTGAAGGACTAAAGGATC[T>C]TCGAAGACAACTGGAACTACATAAAGATCAGATGGTGGACATTATGAGAGCTTCTCAGGG-3'
Protein context (NP_000042.3, residues 1607-1627): PLTRLEGLKD[Leu1617Pro]RRQLELHKDQ

ClinVar aggregate classification (germline): Uncertain significance. Review status: reviewed by expert panel (3 of 4 stars). 3 submissions from 3 submitters: Uncertain significance (1). 2 of the submissions do not count toward it. Last evaluated 2025-06-11.

Conditions:
ATM-related cancer predisposition. Also called: ATM-related cancer susceptibility. Identifiers: MedGen CN377759, MONDO:0700270.
Hereditary cancer-predisposing syndrome. Also called: Hereditary neoplastic syndrome; Neoplastic Syndromes, Hereditary; Tumor predisposition; Hereditary Cancer Syndrome. Identifiers: Orphanet 140162, MedGen C0027672, MeSH D009386, MONDO:0015356.
Ataxia-telangiectasia syndrome (AT). Also called: Ataxia telangiectasia (A-T); LOUIS-BAR SYNDROME; AT, COMPLEMENTATION GROUP C; Ataxia-telangiectasia, complementation group E; Ataxia-telangiectasia, complementation group D; Ataxia-telangiectasia. Identifiers: Orphanet 100, MedGen C0004135, MONDO:0008840, OMIM 208900.

Allele frequency attached by ClinVar (database versions not stated): gnomAD exomes below 0.00001.
gnomAD v4.1: 1 of 1,614,018 alleles (0.000062%); highest among the groups gnomAD compares: Non-Finnish European, 0.000085%; no homozygotes.

Submissions (3):

ClinGen Hereditary Breast, Ovarian and Pancreatic Cancer Variant Curation Expert Panel, ClinGen
Classification: Uncertain significance for ATM-related cancer predisposition. Last evaluated: 2025-06-11. Review status: reviewed by expert panel. Criteria: ClinGen HBOP ACMG Specifications ATM V1.3.0. Collection method: curation. Allele origin: germline. Inheritance: Autosomal dominant inheritance.
Comment: The c.4850T>C variant in ATM is a missense variant predicted to cause substitution of leucine by proline at amino acid 1617 (p.Leu1617Pro). This variant has been detected in at least one individual with Ataxia-Telangiectasia (PMID 26896183). The highest population minor allele frequency in gnomAD v4.1.0 is 0.0000008475 in the European (non-Finnish) population, which is lower than the HBOP threshold (≤0.00001) for PM2_Supporting, meeting this criterion. The computational predictor REVEL gives a score of 0.901, which is above the threshold of 0.733, evidence that correlates with impact to ATM function. In summary, this variant meets the criteria to be classified as a variant of uncertain significance for autosomal dominant ATM-related cancer predisposition and autosomal recessive Ataxia-Telangiectasia based on the ACMG/AMP criteria applied, as specified by the HBOP VCEP. (PM3, PM2_Supporting, PP3)

Ambry Genetics
Classification: Likely pathogenic for Hereditary cancer-predisposing syndrome. Last evaluated: 2026-04-02. Review status: criteria provided, single submitter. Criteria: Ambry Variant Classification Scheme 2023. Collection method: clinical testing. Allele origin: germline. Not counted in ClinVar's aggregate classification.
Comment: The p.L1617P variant (also known as c.4850T>C), located in coding exon 31 of the ATM gene, results from a T to C substitution at nucleotide position 4850. The leucine at codon 1617 is replaced by proline, an amino acid with similar properties. This variant has been identified in the homozygous state and/or in conjunction with other ATM variant(s) in individual(s) with features consistent with ataxia telangiectasia (Carney EF et al. J Immunol, 2012 Jul;189:261-8). In an assay testing ATM function, this variant showed a functionally abnormal result (Lee KS et al. Cell, 2025 Sep;188:5081-5099.e27). This amino acid position is highly conserved in available vertebrate species. In addition, this alteration is predicted to be deleterious by in silico analysis. This variant is considered to be rare based on population cohorts in the Genome Aggregation Database (gnomAD). Based on the majority of available evidence to date, this variant is likely to be pathogenic.

Labcorp Genetics (formerly Invitae), Labcorp
Classification: Uncertain significance for Ataxia-telangiectasia syndrome. Last evaluated: 2025-01-14. Review status: criteria provided, single submitter. Criteria: Invitae Variant Classification Sherloc (09022015). Collection method: clinical testing. Allele origin: germline. Not counted in ClinVar's aggregate classification.
Comment: This sequence change replaces leucine, which is neutral and non-polar, with proline, which is neutral and non-polar, at codon 1617 of the ATM protein (p.Leu1617Pro). This variant is not present in population databases (gnomAD no frequency). This missense change has been observed in individual(s) with ataxia-telangiectasia (PMID: 26896183). ClinVar contains an entry for this variant (Variation ID: 1018946). Invitae Evidence Modeling of protein sequence and biophysical properties (such as structural, functional, and spatial information, amino acid conservation, physicochemical variation, residue mobility, and thermodynamic stability) has been performed for this missense variant. However, the output from this modeling did not meet the statistical confidence thresholds required to predict the impact of this variant on ATM protein function. In summary, the available evidence is currently insufficient to determine the role of this variant in disease. Therefore, it has been classified as a Variant of Uncertain Significance.

Literature cited by the submitters: PubMed 22649200 (cited by Ambry Genetics); PubMed 40580951 (cited by Ambry Genetics); PubMed 26896183 (cited by Labcorp Genetics (formerly Invitae), Labcorp).